The following is an entry in ClinVar:

ClinVar aggregate classification (germline): Uncertain significance (1 of 4 stars; one submission).

Allele frequency attached by ClinVar (database versions not stated): gnomAD exomes below 0.00001; TOPMed below 0.00001; gnomAD 0.00001.
gnomAD v4.1: 5 of 1,613,430 alleles (0.00031%); highest among the groups gnomAD compares: Non-Finnish European, 0.00042%; no homozygotes.

Submission:

Ambry Genetics
Classification: Uncertain significance. Last evaluated: 2023-03-02. Review status: criteria provided, single submitter. Criteria: Ambry Variant Classification Scheme 2023. Collection method: clinical testing. Allele origin: germline.
Comment: The p.A73T variant (also known as c.217G>A), located in coding exon 1 of the EGLN2 gene, results from a G to A substitution at nucleotide position 217. The alanine at codon 73 is replaced by threonine, an amino acid with similar properties. This amino acid position is conserved. In addition, this alteration is predicted to be tolerated by in silico analysis. Since supporting evidence is limited at this time, the clinical significance of this alteration remains unclear.

NM_080732.4(EGLN2):c.217G>A (p.Ala73Thr)

Genes: EGLN2 (egl-9 family hypoxia inducible factor 2; plus strand), RAB4B-EGLN2 (RAB4B-EGLN2 readthrough (NMD candidate); plus strand). Cytogenetic location: 19q13.2.
Variant type: single nucleotide variant.
Coding change: c.217G>A on transcript NM_080732.4 (MANE Select); coding-DNA position 217, G replaced by A.
Protein change: p.Ala73Thr; replaces alanine 73 with threonine.
Molecular consequence: missense variant. On other transcripts: non-coding transcript variant (1).
Genome position (GRCh38, 1-based): chr19:40,800,789, G>A. VCF-style: chr19-40800789-G-A. GRCh37 (hg19) VCF-style: chr19-41306694-G-A.
Other names: c.217G>A, p.Ala73Thr (NM_053046.4); short protein forms A73T.
Identifiers: ClinVar variation 2451280 (VCV002451280.2), dbSNP rs1357072043, ClinGen allele CA405954793.
Genomic context (GRCh38, chr19:40,800,789, plus strand): 5'-GTGCCTAGTGAGGCCTCGGCAGGGAGTGGGACCCCCAGAGCCACAGCCACCTCTACCACT[G>A]CCAGCCCTCTTCGGGACGGTTTTGGCGGGCAGGATGGTGGTGAGCTGCGGCCGCTGCAGA-3'
Protein context (NP_542770.2, residues 63-83): TPRATATSTT[Ala73Thr]SPLRDGFGGQ